The following is an entry in ClinVar:

NC_000019.10:g.39480578G>C

Gene: TIMM50 (translocase of inner mitochondrial membrane 50; plus strand). Cytogenetic location: 19q13.2.
Variant type: single nucleotide variant.
Genome position: GRCh38 VCF-style: chr19-39480578-G-C. GRCh37 (hg19) VCF-style: chr19-39971218-G-C.
Identifiers: ClinVar variation 2801300 (VCV002801300.3), dbSNP rs367865278, ClinGen allele CA9431535.
Genomic context (GRCh38, chr19:39,480,578, plus strand): 5'-ATCAGGCAGCCACTGACTCCCTTCATTATGGCCTCAGCTTTATCTCTGGGCAATAAGTGT[G>C]ATCCCTTCCTTCGCTGCGTCCTTTGCAGGGGCGGTGGCGCTCTGCAAGGCCCAAGGGGGC-3'

ClinVar aggregate classification (germline): Uncertain significance (1 of 4 stars; one submission).

Allele frequency attached by ClinVar (database versions not stated): TOPMed 0.00001; ESP Exome Variant Server 0.00008.

Submission:

Labcorp Genetics (formerly Invitae), Labcorp
Classification: Uncertain significance. Last evaluated: 2024-01-12. Review status: criteria provided, single submitter. Criteria: Invitae Variant Classification Sherloc (09022015). Collection method: clinical testing. Allele origin: germline.
Comment: This sequence change replaces aspartic acid, which is acidic and polar, with histidine, which is basic and polar, at codon 12 of the TIMM50 protein (p.Asp12His). This variant is present in population databases (rs367865278, gnomAD 0.004%). This variant has not been reported in the literature in individuals affected with TIMM50-related conditions. An algorithm developed to predict the effect of missense changes on protein structure and function (PolyPhen-2) suggests that this variant is likely to be disruptive. In summary, the available evidence is currently insufficient to determine the role of this variant in disease. Therefore, it has been classified as a Variant of Uncertain Significance.